The following is an entry in ClinVar:

NM_199420.4(POLQ):c.5560C>A (p.Leu1854Met)

Gene: POLQ (DNA polymerase theta; minus strand). Cytogenetic location: 3q13.33.
Variant type: single nucleotide variant.
Coding change: c.5560C>A on transcript NM_199420.4 (MANE Select); coding-DNA position 5560, C replaced by A.
Protein change: p.Leu1854Met; replaces leucine 1854 with methionine.
Molecular consequence: missense variant.
Genome position (GRCh38, 1-based): chr3:121,487,371, G>T on the plus strand (C>A on the coding strand, the complement: POLQ is on the minus strand). VCF-style: chr3-121487371-G-T. GRCh37 (hg19) VCF-style: chr3-121206218-G-T.
Other names: short protein forms L1854M.
Identifiers: ClinVar variation 2624468 (VCV002624468.2), dbSNP rs752357893, ClinGen allele CA354089909.

ClinVar aggregate classification (germline): Uncertain significance (1 of 4 stars; one submission).

Submission:

Ambry Genetics
Classification: Uncertain significance. Last evaluated: 2023-08-31. Review status: criteria provided, single submitter. Criteria: Ambry Variant Classification Scheme 2023. Collection method: clinical testing. Allele origin: germline.
Comment: The p.L1854M variant (also known as c.5560C>A), located in coding exon 16 of the POLQ gene, results from a C to A substitution at nucleotide position 5560. The leucine at codon 1854 is replaced by methionine, an amino acid with highly similar properties. This amino acid position is conserved. In addition, this alteration is predicted to be tolerated by in silico analysis. Since supporting evidence is limited at this time, the clinical significance of this alteration remains unclear.